The following is an entry in ClinVar:

NM_001006630.2(CHRM2):c.-49A>T

Genes: CHRM2 (cholinergic receptor muscarinic 2; plus strand), LOC349160 (uncharacterized LOC349160; minus strand). Cytogenetic location: 7q33.
Variant type: single nucleotide variant.
Coding change: c.-49A>T on transcript NM_001006630.2 (MANE Select); 49 bases upstream of the start codon, A replaced by T.
Molecular consequence: 5 prime UTR variant. On other transcripts: intron variant (4).
Genome position (GRCh38, 1-based): chr7:136,992,262, A>T. VCF-style: chr7-136992262-A-T. GRCh37 (hg19) VCF-style: chr7-136677009-A-T.
Other names: c.-49A>T (NM_000739.3, NM_001006626.3, NM_001006628.3 and 2 more transcripts); c.-46-22558A>T (NM_001006627.3, NM_001006632.3, NM_001378973.1 and 1 more transcripts).
Identifiers: ClinVar variation 392698 (VCV000392698.1), dbSNP rs1057524597, ClinGen allele CA16605675.
Genomic context (GRCh38, chr7:136,992,262, plus strand): 5'-AGTACAGGGTCTGGATCTTACCCATTCAAGAGTGTATTCTCAGCACCCAATGCCTGGCAT[A>T]TAGTAAGTGCTCAATAAATTTTTAATGAATAAATTAATACATTTATAGACAAAACATTAA-3'

ClinVar aggregate classification (germline): Likely benign (1 of 4 stars; one submission).

Submission:

GeneDx
Classification: Likely benign. Last evaluated: 2017-01-16. Review status: criteria provided, single submitter. Criteria: GeneDx Variant Classification (06012015). Collection method: clinical testing. Allele origin: germline. Affected: yes.
Comment: This variant is considered likely benign or benign based on one or more of the following criteria: it is a conservative change, it occurs at a poorly conserved position in the protein, it is predicted to be benign by multiple in silico algorithms, and/or has population frequency not consistent with disease.